The following is an entry in ClinVar:

ClinVar aggregate classification (germline): Benign/Likely benign. Review status: criteria provided, multiple submitters, no conflicts (2 of 4 stars). 2 submissions from 2 submitters: Benign (1); Likely benign (1). Last evaluated 2026-01-06.

Allele frequency attached by ClinVar (database versions not stated): 1000 Genomes Project 0.00020; 1000 Genomes Project 30x 0.00031; ExAC 0.00053; ESP Exome Variant Server 0.00054; gnomAD 0.00065 and 0.00070; gnomAD exomes 0.00070 and 0.00130; TOPMed 0.00071.
gnomAD v4.1: 1,986 of 1,614,228 alleles (0.12%); highest among the groups gnomAD compares: Non-Finnish European, 0.15%; 3 homozygotes.

Submissions (2):

Labcorp Genetics (formerly Invitae), Labcorp
Classification: Benign. Last evaluated: 2026-01-06. Review status: criteria provided, single submitter. Criteria: Invitae Variant Classification Sherloc (09022015). Collection method: clinical testing. Allele origin: germline.

Mayo Clinic Laboratories, Mayo Clinic
Classification: Likely benign. Last evaluated: 2025-10-07. Review status: criteria provided, single submitter. Criteria: ACMG Guidelines, 2015. Collection method: clinical testing. Allele origin: germline. Observed: 3 variant alleles.
Comment: BS1, BP4, BP7

NM_002336.3(LRP6):c.2706C>T (p.His902=)

Gene: LRP6 (LDL receptor related protein 6; minus strand). Cytogenetic location: 12p13.2.
Variant type: single nucleotide variant.
Coding change: c.2706C>T on transcript NM_002336.3 (MANE Select); coding-DNA position 2706, C replaced by T.
Protein change: p.His902=; no amino-acid change (histidine 902 retained).
Molecular consequence: synonymous variant.
Genome position (GRCh38, 1-based): chr12:12,158,914, G>A on the plus strand (C>T on the coding strand, the complement: LRP6 is on the minus strand). VCF-style: chr12-12158914-G-A. GRCh37 (hg19) VCF-style: chr12-12311848-G-A.
Other names: p.His902=.
Identifiers: ClinVar variation 720194 (VCV000720194.10), dbSNP rs143240557, ClinGen allele CA6455406.